The following is an entry in ClinVar:

NM_001289125.3(IFNAR2):c.541-50A>G

Genes: IFNAR2 (interferon alpha and beta receptor subunit 2; plus strand), IFNAR2-IL10RB (IFNAR2-IL10RB readthrough; plus strand). Cytogenetic location: 21q22.11.
Variant type: single nucleotide variant.
Coding change: c.541-50A>G on transcript NM_001289125.3 (MANE Select); 50 bases into the intron before coding-DNA position 541, A replaced by G.
Molecular consequence: intron variant.
Genome position (GRCh38, 1-based): chr21:33,252,612, A>G. VCF-style: chr21-33252612-A-G. GRCh37 (hg19) VCF-style: chr21-34624917-A-G.
Other names: c.541-50A>G (NM_000874.5, NM_001289128.2, NM_207584.3 and 4 more transcripts).
Identifiers: ClinVar variation 1684583 (VCV001684583.3), dbSNP rs2236757, ClinGen allele CA10005693.

ClinVar aggregate classification (germline): Benign. Review status: criteria provided, multiple submitters, no conflicts (2 of 4 stars). 3 submissions from 3 submitters: Benign (2). 1 of the submissions does not count toward it. Last evaluated 2024-01-24.

Conditions:
Immunodeficiency 45 (IMD45). Identifiers: MedGen C4225252, MONDO:0014727, OMIM 616669.
Mortality risk in patients with severe coronavirus disease (COVID-19).

Allele frequency attached by ClinVar (database versions not stated): gnomAD exomes 0.69370; ESP Exome Variant Server 0.73727; 1000 Genomes Project 0.62540; 1000 Genomes Project 30x 0.62726; ExAC 0.65126; gnomAD 0.70031; TOPMed 0.70286.
gnomAD v4.1: 1,094,796 of 1,577,648 alleles (69%); highest among the groups gnomAD compares: African/African-American, 79%; 383,727 homozygotes.

Submissions (3):

Unidad de Genómica Garrahan, Hospital de Pediatría Garrahan
Classification: Benign. Last evaluated: 2024-01-24. Review status: criteria provided, single submitter. Criteria: ACMG Guidelines, 2015. Collection method: clinical testing. Allele origin: germline. Affected: no. Observed: 79 variant alleles.
Comment: This variant is classified as Benign based on local population frequency. This variant was detected in 83% of patients studied by a panel of primary immunodeficiencies. Number of patients: 79. Only high quality variants are reported.

Mendelics
Classification: Benign for Immunodeficiency 45. Last evaluated: 2024-01-23. Review status: criteria provided, single submitter. Criteria: ACMG Guidelines, 2015. Collection method: clinical testing. Allele origin: unknown.

Pneumogenomics Laboratory, Instituto Nacional de Enfermedades Respiratorias Ismael Cosio Villegas
Classification: Uncertain significance for Mortality risk in patients with severe coronavirus disease (COVID-19). Last evaluated: 2022-05-06. Review status: no assertion criteria provided. Collection method: research. Allele origin: germline. Affected: yes. Not counted in ClinVar's aggregate classification.